The following is an entry in ClinVar:

NM_004960.4(FUS):c.1462G>A (p.Gly488Ser)

Gene: FUS (FUS RNA binding protein; plus strand). Cytogenetic location: 16p11.2.
Variant type: single nucleotide variant.
Coding change: c.1462G>A on transcript NM_004960.4 (MANE Select); coding-DNA position 1462, G replaced by A.
Protein change: p.Gly488Ser; replaces glycine 488 with serine.
Molecular consequence: missense variant. On other transcripts: non-coding transcript variant (1).
Genome position (GRCh38, 1-based): chr16:31,191,031, G>A. VCF-style: chr16-31191031-G-A. GRCh37 (hg19) VCF-style: chr16-31202352-G-A.
Other names: c.1459G>A, p.Gly487Ser (NM_001170634.1); c.1450G>A, p.Gly484Ser (NM_001170937.1); short protein forms G484S, G487S, G488S.
Identifiers: ClinVar variation 1773184 (VCV001773184.2), dbSNP rs200903051, ClinGen allele CA280601627.

ClinVar aggregate classification (germline): Uncertain significance (1 of 4 stars; one submission).

Conditions:
Inborn genetic diseases. Identifiers: MedGen C0950123, MeSH D030342.

Allele frequency attached by ClinVar (database versions not stated): gnomAD exomes 0.00001.
gnomAD v4.1: 7 of 1,613,946 alleles (0.00043%); highest among the groups gnomAD compares: Admixed American, 0.0017%; no homozygotes.

Submission:

Ambry Genetics
Classification: Uncertain significance for Inborn genetic diseases. Last evaluated: 2023-12-14. Review status: criteria provided, single submitter. Criteria: Ambry Variant Classification Scheme 2023. Collection method: clinical testing. Allele origin: germline.
Comment: The p.G488S variant (also known as c.1462G>A), located in coding exon 14 of the FUS gene, results from a G to A substitution at nucleotide position 1462. The glycine at codon 488 is replaced by serine, an amino acid with similar properties. This amino acid position is highly conserved in available vertebrate species. In addition, the in silico prediction for this alteration is inconclusive. Since supporting evidence is limited at this time, the clinical significance of this alteration remains unclear.